The following is an entry in ClinVar:

NM_019066.5(MAGEL2):c.3727A>G (p.Thr1243Ala)

Gene: MAGEL2 (MAGE family member L2; minus strand). Cytogenetic location: 15q11.2.
Variant type: single nucleotide variant.
Coding change: c.3727A>G on transcript NM_019066.5 (MANE Select); coding-DNA position 3727, A replaced by G.
Protein change: p.Thr1243Ala; replaces threonine 1243 with alanine.
Molecular consequence: missense variant.
Genome position (GRCh38, 1-based): chr15:23,644,016, T>C on the plus strand (A>G on the coding strand, the complement: MAGEL2 is on the minus strand). VCF-style: chr15-23644016-T-C. GRCh37 (hg19) VCF-style: chr15-23889163-T-C.
Other names: short protein forms T1243A.
Identifiers: ClinVar variation 2428911 (VCV002428911.9), dbSNP rs2503973299, ClinGen allele CA391320787.

ClinVar aggregate classification (germline): Uncertain significance. Review status: criteria provided, multiple submitters, no conflicts (2 of 4 stars). 2 submissions from 2 submitters: Uncertain significance (2). Last evaluated 2022-08-01.

Conditions:
Schaaf-Yang syndrome (SHFYNG). Also called: Arthrogryposis, distal, with hypopituitarism, intellectual disability, and facial anomalies; MAGEL2-related Prader-Willi-like syndrome. Identifiers: Orphanet 398069, MedGen C5575066, MONDO:0014243, OMIM 615547.

Submissions (2):

GeneDx
Classification: Uncertain significance. Last evaluated: 2022-08-01. Review status: criteria provided, single submitter. Criteria: GeneDx Variant Classification Process June 2021. Collection method: clinical testing. Allele origin: germline. Affected: yes.
Comment: Not observed at significant frequency in large population cohorts (gnomAD); In silico analysis supports that this missense variant does not alter protein structure/function; Has not been previously published as pathogenic or benign to our knowledge

Revvity Omics, Revvity
Classification: Uncertain significance for Schaaf-Yang syndrome. Last evaluated: 2022-03-09. Review status: criteria provided, single submitter. Criteria: ACMG Guidelines, 2015. Collection method: clinical testing. Allele origin: germline.